The following is an entry in ClinVar:

ClinVar aggregate classification (germline): Benign/Likely benign. Review status: criteria provided, multiple submitters, no conflicts (2 of 4 stars). 3 submissions from 3 submitters: Benign (1); Likely benign (2). Last evaluated 2026-01-28.

Conditions:
Hereditary cancer-predisposing syndrome. Also called: Hereditary Cancer Syndrome; Neoplastic Syndromes, Hereditary; Tumor predisposition; Hereditary neoplastic syndrome. Identifiers: Orphanet 140162, MedGen C0027672, MeSH D009386, MONDO:0015356.
Hereditary diffuse gastric adenocarcinoma (HDGC). Also called: DIFFUSE GASTRIC AND LOBULAR BREAST CANCER SYNDROME. Identifiers: Orphanet 26106, MedGen C1708349, MONDO:0007648, OMIM 137215.

Allele frequency attached by ClinVar (database versions not stated): gnomAD exomes below 0.00001 and 0.00001; ExAC 0.00001.
gnomAD v4.1: 4 of 1,613,884 alleles (0.00025%); highest among the groups gnomAD compares: East Asian, 0.0067%; no homozygotes.

Submissions (3):

Labcorp Genetics (formerly Invitae), Labcorp
Classification: Likely benign for Hereditary diffuse gastric adenocarcinoma. Last evaluated: 2026-01-28. Review status: criteria provided, single submitter. Criteria: Invitae Variant Classification Sherloc (09022015). Collection method: clinical testing. Allele origin: germline.

Myriad Genetics, Inc.
Classification: Benign for Hereditary diffuse gastric adenocarcinoma. Last evaluated: 2024-09-20. Review status: criteria provided, single submitter. Criteria: Myriad Autosomal Dominant, Autosomal Recessive and X-Linked Classification Criteria (2023). Collection method: clinical testing. Allele origin: unknown.
Comment: This variant is considered benign. This variant is a silent/synonymous amino acid change and it is not expected to impact splicing.

Ambry Genetics
Classification: Likely benign for Hereditary cancer-predisposing syndrome. Last evaluated: 2015-01-02. Review status: criteria provided, single submitter. Criteria: Ambry Variant Classification Scheme 2023. Collection method: clinical testing. Allele origin: germline.

NM_004360.5(CDH1):c.2178G>A (p.Leu726=)

Gene: CDH1 (cadherin 1; plus strand). Cytogenetic location: 16q22.1.
Variant type: single nucleotide variant.
Coding change: c.2178G>A on transcript NM_004360.5 (MANE Select); coding-DNA position 2178, G replaced by A.
Protein change: p.Leu726=; no amino-acid change (leucine 726 retained).
Molecular consequence: synonymous variant.
Genome position (GRCh38, 1-based): chr16:68,828,187, G>A. VCF-style: chr16-68828187-G-A. GRCh37 (hg19) VCF-style: chr16-68862090-G-A.
Other names: c.2178G>A (LRG_301t1); c.1995G>A, p.Leu665= (NM_001317184.2); c.630G>A, p.Leu210= (NM_001317185.2); c.213G>A, p.Leu71= (NM_001317186.2).
Identifiers: ClinVar variation 229964 (VCV000229964.9), dbSNP rs751544748, ClinGen allele CA8130224.
Genomic context (GRCh38, chr16:68,828,187, plus strand): 5'-TTTATCTTTGGCTCTCAACACTTGCTCTGTCTCCCCCACCATCCCAGTTCTGATTCTGCT[G>A]CTCTTGCTGTTTCTTCGGAGGAGAGCGGTGGTCAAAGAGCCCTTACTGCCCCCAGAGGAT-3'
Protein context (NP_004351.1, residues 716-736): GILALLILIL[Leu726=]LLLFLRRRAV